The following is an entry in ClinVar:

ClinVar aggregate classification (germline): Uncertain significance (1 of 4 stars; one submission).

Conditions:
Inborn genetic diseases. Identifiers: MedGen C0950123, MeSH D030342.

Submission:

Ambry Genetics
Classification: Uncertain significance for Inborn genetic diseases. Last evaluated: 2026-05-02. Review status: criteria provided, single submitter. Criteria: Ambry Variant Classification Scheme 2023. Collection method: clinical testing. Allele origin: germline.
Comment: The p.A16T variant (also known as c.46G>A), located in coding exon 1 of the SBDS gene, results from a G to A substitution at nucleotide position 46. The alanine at codon 16 is replaced by threonine, an amino acid with similar properties. This amino acid position is conserved. In addition, this alteration is predicted to be deleterious by in silico analysis. Based on the available evidence, the clinical significance of this variant remains unclear.

NM_016038.4(SBDS):c.46G>A (p.Ala16Thr)

Gene: SBDS (SBDS ribosome maturation factor; minus strand). Cytogenetic location: 7q11.21.
Variant type: single nucleotide variant.
Coding change: c.46G>A on transcript NM_016038.4 (MANE Select); coding-DNA position 46, G replaced by A.
Protein change: p.Ala16Thr; replaces alanine 16 with threonine.
Molecular consequence: missense variant.
Genome position (GRCh38, 1-based): chr7:66,995,372, C>T on the plus strand (G>A on the coding strand, the complement: SBDS is on the minus strand). VCF-style: chr7-66995372-C-T. GRCh37 (hg19) VCF-style: chr7-66460359-C-T.
Other names: short protein forms A16T.
Identifiers: ClinVar variation 4864057 (VCV004864057.1).